The following is an entry in ClinVar:

ClinVar aggregate classification (germline): Uncertain significance (1 of 4 stars; one submission).

Conditions:
Dilated cardiomyopathy 1O (CMD1O). Also called: CARDIOMYOPATHY, DILATED, WITH VENTRICULAR TACHYCARDIA. Identifiers: Orphanet 154, MedGen C1837839, MONDO:0012062, OMIM 608569.

Submission:

Labcorp Genetics (formerly Invitae), Labcorp
Classification: Uncertain significance for Dilated cardiomyopathy 1O. Last evaluated: 2024-04-17. Review status: criteria provided, single submitter. Criteria: Invitae Variant Classification Sherloc (09022015). Collection method: clinical testing. Allele origin: germline.
Comment: This sequence change falls in intron 16 of the ABCC9 gene. It does not directly change the encoded amino acid sequence of the ABCC9 protein. This variant is not present in population databases (gnomAD no frequency). This variant has not been reported in the literature in individuals affected with ABCC9-related conditions. Algorithms developed to predict the effect of sequence changes on RNA splicing suggest that this variant may disrupt the consensus splice site. In summary, the available evidence is currently insufficient to determine the role of this variant in disease. Therefore, it has been classified as a Variant of Uncertain Significance.

NM_020297.4(ABCC9):c.2199-19_2199-18del

Gene: ABCC9 (ATP binding cassette subfamily C member 9; minus strand). Cytogenetic location: 12p12.1.
Variant type: Deletion.
Coding change: c.2199-19_2199-18del on transcript NM_020297.4 (MANE Select); 19 bases into the intron before coding-DNA position 2199 through 18 bases into the intron before coding-DNA position 2199, 2 bases deleted (TT; older notation c.2199-19_2199-18delTT).
Molecular consequence: intron variant.
Genome position (GRCh38, 1-based): chr12:21,864,495-21,864,496, AA deleted on the plus strand (TT on the coding strand, the reverse complement: ABCC9 is on the minus strand). VCF-style (leftmost placement, unchanged base first): chr12-21864494-CAA-C. GRCh37 (hg19) VCF-style: chr12-22017428-CAA-C.
Other names: c.1335-19_1335-18del (NM_001377274.1); c.2199-19_2199-18del (NM_005691.4, NM_001377273.1).
Identifiers: ClinVar variation 3650219 (VCV003650219.2).